The following is an entry in ClinVar:

NM_002469.3(MYF6):c.273dup (p.Thr92fs)

Gene: MYF6 (myogenic factor 6; plus strand). Cytogenetic location: 12q21.31.
Variant type: Duplication.
Coding change: c.273dup on transcript NM_002469.3 (MANE Select); coding-DNA position 273, one base duplicated (C; older notation c.273dupC).
Protein change: p.Thr92fs; shifts the reading frame from threonine 92.
Molecular consequence: frameshift variant.
Genome position (GRCh38, 1-based): chr12:80,707,992, C duplicated; the last of 5 consecutive C bases (chr12:80,707,988-80,707,992); duplicating any one gives the same sequence. VCF-style (leftmost placement, unchanged base first): chr12-80707987-G-GC. GRCh37 (hg19) VCF-style: chr12-81101766-G-GC.
Other names: short protein forms T92fs.
Identifiers: ClinVar variation 1414913 (VCV001414913.7), dbSNP rs768710318, ClinGen allele CA6703051.
Genomic context (GRCh38, chr12:80,707,987, plus strand): 5'-CCTCCACACTGCCCCGGCCAGTGTCTGATCTGGGCTTGCAAGACCTGCAAGAGAAAATCT[G>GC]CCCCCACTGACCGGCGAAAAGCCGCCACCCTGCGCGAAAGGAGGAGGCTAAAGAAAATCA-3'

ClinVar aggregate classification (germline): Uncertain significance (1 of 4 stars; one submission).

Conditions:
Autosomal dominant centronuclear myopathy. Also called: MYOTUBULAR MYOPATHY, AUTOSOMAL DOMINANT; Myopathy, centronuclear, 3. Identifiers: Orphanet 169189, MedGen C4551952, MeSH D020914, MONDO:0008048, OMIM 160150.

Submission:

Labcorp Genetics (formerly Invitae), Labcorp
Classification: Uncertain significance for Autosomal dominant centronuclear myopathy. Last evaluated: 2022-11-08. Review status: criteria provided, single submitter. Criteria: Invitae Variant Classification Sherloc (09022015). Collection method: clinical testing. Allele origin: germline.
Comment: This sequence change creates a premature translational stop signal (p.Thr92Hisfs*2) in the MYF6 gene. It is expected to result in an absent or disrupted protein product. However, the current clinical and genetic evidence is not sufficient to establish whether loss-of-function variants in MYF6 cause disease. This variant is present in population databases (rs768710318, gnomAD 0.0009%). This variant has not been reported in the literature in individuals affected with MYF6-related conditions. ClinVar contains an entry for this variant (Variation ID: 1414913). In summary, the available evidence is currently insufficient to determine the role of this variant in disease. Therefore, it has been classified as a Variant of Uncertain Significance.